The following is an entry in ClinVar:

ClinVar aggregate classification (germline): not provided (0 of 4 stars; one submission).

Allele frequency attached by ClinVar (database versions not stated): gnomAD exomes 0.00001.
gnomAD v4.1: 7 of 1,609,220 alleles (0.00043%); highest among the groups gnomAD compares: African/African-American, 0.0067%; no homozygotes.

Submission:

ITMI
No classification provided. Condition: AllHighlyPenetrant. Last evaluated: 2013-09-19. Review status: no classification provided. Collection method: reference population. Allele origin: germline.
Comment: Please see associated publication for description of ethnicities

Literature cited by the submitters: PubMed 24728327.

NM_001018115.3(FANCD2):c.2567C>G (p.Thr856Ser)

Genes: FANCD2 (FA complementation group D2; plus strand), LOC107303338 (3p25 FANCD2 Alu-mediated recombination region; plus strand). Cytogenetic location: 3p25.3.
Variant type: single nucleotide variant.
Coding change: c.2567C>G on transcript NM_001018115.3 (MANE Select); coding-DNA position 2567, C replaced by G.
Protein change: p.Thr856Ser; replaces threonine 856 with serine.
Molecular consequence: missense variant.
Genome position (GRCh38, 1-based): chr3:10,072,943, C>G. VCF-style: chr3-10072943-C-G. GRCh37 (hg19) VCF-style: chr3-10114627-C-G.
Other names: c.2567C>G, p.Thr856Ser (NM_001319984.2, NM_001374254.1, NM_033084.6); c.2456C>G, p.Thr819Ser (NM_001374253.1); short protein forms T856S, T819S.
Identifiers: ClinVar variation 134317 (VCV000134317.1), dbSNP rs587778329, ClinGen allele CA159458.